The following is an entry in ClinVar:

ClinVar aggregate classification (germline): Uncertain significance (1 of 4 stars; one submission).

Submission:

Labcorp Genetics (formerly Invitae), Labcorp
Classification: Uncertain significance. Last evaluated: 2020-09-10. Review status: criteria provided, single submitter. Criteria: Invitae Variant Classification Sherloc (09022015). Collection method: clinical testing. Allele origin: germline.
Comment: This sequence change replaces serine with arginine at codon 53 of the CLCN4 protein (p.Ser53Arg). The serine residue is moderately conserved and there is a moderate physicochemical difference between serine and arginine. In summary, the available evidence is currently insufficient to determine the role of this variant in disease. Therefore, it has been classified as a Variant of Uncertain Significance. Algorithms developed to predict the effect of missense changes on protein structure and function (SIFT, PolyPhen-2, Align-GVGD) all suggest that this variant is likely to be tolerated, but these predictions have not been confirmed by published functional studies and their clinical significance is uncertain. This variant has not been reported in the literature in individuals with CLCN4-related conditions. This variant is not present in population databases (ExAC no frequency).

NM_001830.4(CLCN4):c.159C>A (p.Ser53Arg)

Gene: CLCN4 (chloride voltage-gated channel 4; plus strand). Cytogenetic location: Xp22.2.
Variant type: single nucleotide variant.
Coding change: c.159C>A on transcript NM_001830.4 (MANE Select); coding-DNA position 159, C replaced by A.
Protein change: p.Ser53Arg; replaces serine 53 with arginine.
Molecular consequence: missense variant. On other transcripts: intron variant (1).
Genome position (GRCh38, 1-based): chrX:10,187,529, C>A. VCF-style: chrX-10187529-C-A. GRCh37 (hg19) VCF-style: chrX-10155569-C-A.
Other names: c.-38-7382C>A (NM_001256944.2); short protein forms S53R.
Identifiers: ClinVar variation 1005113 (VCV001005113.8), dbSNP rs1923844671, ClinGen allele CA412032571.
Genomic context (GRCh38, chrX:10,187,529, plus strand): 5'-ATTCGAAAATGCATTCGGATCAGTTGCTGTATCTGCTTTGTTCTAGATCACCAGCAAGAG[C>A]AAGGAGTCCATATGGGAGTTCATCAAGAGCCTGCTGGATGCCTGGTCGGGATGGGTGGTG-3'
Protein context (NP_001821.2, residues 43-63): TDRHRKITSK[Ser53Arg]KESIWEFIKS